The following is an entry in ClinVar:

ClinVar aggregate classification (germline): Uncertain significance (1 of 4 stars; one submission).

Conditions:
RYR1-related disorder. Also called: RYR1-related condition; RYR1-related disorders. Identifiers: MedGen CN239331.

Allele frequency attached by ClinVar (database versions not stated): gnomAD 0.00001.
gnomAD v4.1: 2 of 1,613,546 alleles (0.00012%); highest among the groups gnomAD compares: East Asian, 0.0045%; no homozygotes.

Submission:

Labcorp Genetics (formerly Invitae), Labcorp
Classification: Uncertain significance for RYR1-related disorder. Last evaluated: 2021-09-24. Review status: criteria provided, single submitter. Criteria: Invitae Variant Classification Sherloc (09022015). Collection method: clinical testing. Allele origin: germline.
Comment: This sequence change replaces glutamic acid with aspartic acid at codon 79 of the RYR1 protein (p.Glu79Asp). The glutamic acid residue is highly conserved and there is a small physicochemical difference between glutamic acid and aspartic acid. This variant is not present in population databases (ExAC no frequency). This variant has not been reported in the literature in individuals with RYR1-related conditions. Advanced modeling of protein sequence and biophysical properties (such as structural, functional, and spatial information, amino acid conservation, physicochemical variation, residue mobility, and thermodynamic stability) performed at Invitae indicates that this missense variant is expected to disrupt RYR1 protein function. In summary, the available evidence is currently insufficient to determine the role of this variant in disease. Therefore, it has been classified as a Variant of Uncertain Significance.

NM_000540.3(RYR1):c.237G>C (p.Glu79Asp)

Gene: RYR1 (ryanodine receptor 1; plus strand). Cytogenetic location: 19q13.2.
Variant type: single nucleotide variant.
Coding change: c.237G>C on transcript NM_000540.3 (MANE Select); coding-DNA position 237, G replaced by C.
Protein change: p.Glu79Asp; replaces glutamic acid 79 with aspartic acid.
Molecular consequence: missense variant.
Genome position (GRCh38, 1-based): chr19:38,442,420, G>C. VCF-style: chr19-38442420-G-C. GRCh37 (hg19) VCF-style: chr19-38933060-G-C.
Other names: c.237G>C, p.Glu79Asp (NM_001042723.2); short protein forms E79D.
Identifiers: ClinVar variation 2189816 (VCV002189816.1), dbSNP rs1568433741, ClinGen allele CA405674286.